The following is an entry in ClinVar:

NM_012268.4(PLD3):c.665G>A (p.Arg222His)

Gene: PLD3 (phospholipase D family member 3; plus strand). Cytogenetic location: 19q13.2.
Variant type: single nucleotide variant.
Coding change: c.665G>A on transcript NM_012268.4 (MANE Select); coding-DNA position 665, G replaced by A.
Protein change: p.Arg222His; replaces arginine 222 with histidine.
Molecular consequence: missense variant.
Genome position (GRCh38, 1-based): chr19:40,370,224, G>A. VCF-style: chr19-40370224-G-A. GRCh37 (hg19) VCF-style: chr19-40876131-G-A.
Other names: c.665G>A, p.Arg222His (NM_001031696.4, NM_001291311.2); short protein forms R222H.
Identifiers: ClinVar variation 2736893 (VCV002736893.3), dbSNP rs765630414, ClinGen allele CA9442793.

ClinVar aggregate classification (germline): Uncertain significance (1 of 4 stars; one submission).

Allele frequency attached by ClinVar (database versions not stated): TOPMed 0.00006; gnomAD 0.00001; gnomAD exomes 0.00007; ExAC 0.00001.
gnomAD v4.1: 100 of 1,613,370 alleles (0.0062%); highest among the groups gnomAD compares: Non-Finnish European, 0.0079%; no homozygotes.

Submission:

Labcorp Genetics (formerly Invitae), Labcorp
Classification: Uncertain significance. Last evaluated: 2025-08-11. Review status: criteria provided, single submitter. Criteria: Invitae Variant Classification Sherloc (09022015). Collection method: clinical testing. Allele origin: germline.
Comment: This sequence change replaces arginine, which is basic and polar, with histidine, which is basic and polar, at codon 222 of the PLD3 protein (p.Arg222His). This variant is present in population databases (rs765630414, gnomAD 0.006%). This variant has not been reported in the literature in individuals affected with PLD3-related conditions. ClinVar contains an entry for this variant (Variation ID: 2736893). An algorithm developed to predict the effect of missense changes on protein structure and function (PolyPhen-2) suggests that this variant is likely to be disruptive. In summary, the available evidence is currently insufficient to determine the role of this variant in disease. Therefore, it has been classified as a Variant of Uncertain Significance.